The following is an entry in ClinVar:

NM_024741.3(ZNF408):c.377G>A (p.Ser126Asn)

Gene: ZNF408 (zinc finger protein 408; plus strand). Cytogenetic location: 11p11.2.
Variant type: single nucleotide variant.
Coding change: c.377G>A on transcript NM_024741.3 (MANE Select); coding-DNA position 377, G replaced by A.
Protein change: p.Ser126Asn; replaces serine 126 with asparagine.
Molecular consequence: missense variant.
Genome position (GRCh38, 1-based): chr11:46,702,750, G>A. VCF-style: chr11-46702750-G-A. GRCh37 (hg19) VCF-style: chr11-46724300-G-A.
Other names: c.353G>A, p.Ser118Asn (NM_001184751.2); short protein forms S126N, S118N.
Identifiers: ClinVar variation 204315 (VCV000204315.11), dbSNP rs536561101, ClinGen allele CA204007.

ClinVar aggregate classification (germline): Conflicting classifications of pathogenicity. Review status: criteria provided, conflicting classifications (1 of 4 stars). 4 submissions from 4 submitters: Uncertain significance (2); Likely benign (1). 1 of the submissions does not count toward it. Last evaluated 2024-01-11.

Conditions:
Exudative vitreoretinopathy 6 (EVR6). Identifiers: Orphanet 891, MedGen C4225316, MONDO:0014652, OMIM 616468.
Retinal dystrophy. Also called: Inherited retinal dystrophy. Identifiers: Orphanet 71862, MedGen C0854723, MeSH D058499, MONDO:0019118, HP:0000556.

Allele frequency attached by ClinVar (database versions not stated): gnomAD 0.00003 and 0.00007; TOPMed 0.00003; gnomAD exomes 0.00004; ExAC 0.00005; 1000 Genomes Project 30x 0.00016; 1000 Genomes Project 0.00020.

Submissions (4):

Labcorp Genetics (formerly Invitae), Labcorp
Classification: Uncertain significance. Last evaluated: 2024-01-11. Review status: criteria provided, single submitter. Criteria: Invitae Variant Classification Sherloc (09022015). Collection method: clinical testing. Allele origin: germline.
Comment: This sequence change replaces serine, which is neutral and polar, with asparagine, which is neutral and polar, at codon 126 of the ZNF408 protein (p.Ser126Asn). This variant is present in population databases (rs536561101, gnomAD 0.07%). This missense change has been observed in individual(s) with clinical features of ZNF408-related conditions (PMID: 23716654, 33247286). ClinVar contains an entry for this variant (Variation ID: 204315). An algorithm developed to predict the effect of missense changes on protein structure and function (PolyPhen-2) suggests that this variant is likely to be tolerated. Experimental studies have shown that this missense change does not substantially affect ZNF408 function (PMID: 23716654). In summary, the available evidence is currently insufficient to determine the role of this variant in disease. Therefore, it has been classified as a Variant of Uncertain Significance.

Dept Of Ophthalmology, Nagoya University
Classification: Likely benign for Retinal dystrophy. Last evaluated: 2023-10-01. Review status: criteria provided, single submitter. Criteria: Submitter's publication. Collection method: research. Allele origin: germline. Affected: yes.

Blueprint Genetics
Classification: Uncertain significance. Last evaluated: 2022-02-01. Review status: criteria provided, single submitter. Criteria: ACMG Guidelines, 2015. Collection method: clinical testing. Allele origin: germline.

OMIM
Classification: Uncertain significance for VARIANT OF UNKNOWN SIGNIFICANCE. Last evaluated: 2013-06-11. Review status: no assertion criteria provided. Collection method: literature only. Allele origin: germline. Not counted in ClinVar's aggregate classification.

Literature cited by the submitters: PubMed 23716654 (cited by Labcorp Genetics (formerly Invitae), Labcorp and OMIM); PubMed 33247286 (cited by Labcorp Genetics (formerly Invitae), Labcorp).